The following is an entry in ClinVar:

ClinVar aggregate classification (germline): Uncertain significance (0 of 4 stars; one submission).

Submission:

ISCA site 1
Classification: Uncertain significance. Last evaluated: 2011-05-06. Review status: no assertion criteria provided. Collection method: clinical testing. Allele origin: maternal. Affected: yes. Observed: 1 variant allele.
Comment: Copy number variation identified through the course of routine clinical cytogenomic testing in postnatal populations. Clinical assertions have been curated as described in Kaminsky et al. 2011.

Copy number variation identified through the course of routine clinical cytogenomic testing in postnatal populations. Clinical assertions have been curated as described in Kaminsky, et al. 2011 (PubMed 21844811). For additional ClinGen data, please see nstd37.

GRCh38/hg38 5q12.3(chr5:65211728-66746761)x3

Genes: ADAMTS6 (ADAM metallopeptidase with thrombospondin type 1 motif 6; minus strand), CENPK (centromere protein K; minus strand), ERBIN (erbb2 interacting protein; plus strand), LINC02065 (long intergenic non-protein coding RNA 2065; minus strand), LINC02229 (long intergenic non-protein coding RNA 2229; minus strand) and 38 more. Cytogenetic location: 5q12.3.
Variant type: copy number gain.
Change: copy number 3 (three copies instead of two) of chr5:65,211,728-66,746,761 (1.54 Mb, GRCh38 coordinates, 1-based), cytogenetic band 5q12.3.
Identifiers: ClinVar variation 146452 (VCV000146452.3).